The following is an entry in ClinVar:

ClinVar aggregate classification (germline): Likely benign (1 of 4 stars; one submission).

Allele frequency attached by ClinVar (database versions not stated): gnomAD 0.00003; TOPMed 0.00007; ExAC 0.00009; 1000 Genomes Project 30x 0.00031.
gnomAD v4.1: 59 of 1,612,424 alleles (0.0037%); highest among the groups gnomAD compares: South Asian, 0.025%; no homozygotes.

Submission:

CeGaT Center for Human Genetics Tuebingen
Classification: Likely benign. Last evaluated: 2022-07-01. Review status: criteria provided, single submitter. Criteria: CeGaT Center For Human Genetics Tuebingen Variant Classification Criteria Version 2. Collection method: clinical testing. Allele origin: germline. Affected: yes. Observed: 1 variant allele.
Comment: DDX51: BP4, BP7

NM_175066.4(DDX51):c.1686G>A (p.Thr562=)

Gene: DDX51 (DEAD-box helicase 51; minus strand). Cytogenetic location: 12q24.33.
Variant type: single nucleotide variant.
Coding change: c.1686G>A on transcript NM_175066.4 (MANE Select); coding-DNA position 1686, G replaced by A.
Protein change: p.Thr562=; no amino-acid change (threonine 562 retained).
Molecular consequence: synonymous variant.
Genome position (GRCh38, 1-based): chr12:132,140,187, C>T on the plus strand (G>A on the coding strand, the complement: DDX51 is on the minus strand). VCF-style: chr12-132140187-C-T. GRCh37 (hg19) VCF-style: chr12-132624732-C-T.
Identifiers: ClinVar variation 2643629 (VCV002643629.24), dbSNP rs772345507, ClinGen allele CA6888007.